The following is an entry in ClinVar:

ClinVar aggregate classification (germline): Uncertain significance. Review status: criteria provided, multiple submitters, no conflicts (2 of 4 stars). 5 submissions from 5 submitters: Uncertain significance (5). Last evaluated 2025-11-17.

Conditions:
Inborn genetic diseases. Identifiers: MedGen C0950123, MeSH D030342.
Microcephaly 5, primary, autosomal recessive (MCPH5). Also called: ASPM Primary Microcephaly. Identifiers: Orphanet 2512, MedGen C1837501, MONDO:0012106, OMIM 608716.

Allele frequency attached by ClinVar (database versions not stated): ExAC 0.00002; gnomAD exomes 0.00002; gnomAD 0.00017 and 0.00018; 1000 Genomes Project 0.00040; TOPMed 0.00046; 1000 Genomes Project 30x 0.00047.
gnomAD v4.1: 47 of 1,613,026 alleles (0.0029%); highest among the groups gnomAD compares: Admixed American, 0.057%; no homozygotes.

Submissions (5):

Labcorp Genetics (formerly Invitae), Labcorp
Classification: Uncertain significance. Last evaluated: 2025-11-17. Review status: criteria provided, single submitter. Criteria: Invitae Variant Classification Sherloc (09022015). Collection method: clinical testing. Allele origin: germline.
Comment: This sequence change replaces glycine, which is neutral and non-polar, with arginine, which is basic and polar, at codon 1645 of the ASPM protein (p.Gly1645Arg). This variant is present in population databases (rs201927596, gnomAD 0.01%). This variant has not been reported in the literature in individuals affected with ASPM-related conditions. ClinVar contains an entry for this variant (Variation ID: 1328712). Invitae Evidence Modeling of protein sequence and biophysical properties (such as structural, functional, and spatial information, amino acid conservation, physicochemical variation, residue mobility, and thermodynamic stability) indicates that this missense variant is not expected to disrupt ASPM protein function with a negative predictive value of 80%. In summary, the available evidence is currently insufficient to determine the role of this variant in disease. Therefore, it has been classified as a Variant of Uncertain Significance.

Ambry Genetics
Classification: Uncertain significance for Inborn genetic diseases. Last evaluated: 2024-01-03. Review status: criteria provided, single submitter. Criteria: Ambry Variant Classification Scheme 2023. Collection method: clinical testing. Allele origin: germline.

GeneDx
Classification: Uncertain significance. Last evaluated: 2023-12-29. Review status: criteria provided, single submitter. Criteria: GeneDx Variant Classification Process June 2021. Collection method: clinical testing. Allele origin: germline. Affected: yes.
Comment: Not observed at significant frequency in large population cohorts (gnomAD); In silico analysis supports that this missense variant has a deleterious effect on protein structure/function; Missense variant in a gene in which most reported pathogenic variants are truncating/loss-of-function; Has not been previously published as pathogenic or benign to our knowledge

Genome-Nilou Lab
Classification: Uncertain significance for Microcephaly 5, primary, autosomal recessive. Last evaluated: 2023-04-11. Review status: criteria provided, single submitter. Criteria: ACMG Guidelines, 2015. Collection method: clinical testing. Allele origin: germline. Affected: no.

Athena Diagnostics
Classification: Uncertain significance. Last evaluated: 2022-09-15. Review status: criteria provided, single submitter. Criteria: Athena Diagnostics Criteria. Collection method: clinical testing. Allele origin: unknown.
Comment: Available data are insufficient to determine the clinical significance of the variant at this time. The frequency of this variant in the general population is uninformative in assessment of its pathogenicity. Computational tools disagree on the variant's effect on normal protein function.

NM_018136.5(ASPM):c.4933G>A (p.Gly1645Arg)

Gene: ASPM (assembly factor for spindle microtubules; minus strand). Cytogenetic location: 1q31.3.
Variant type: single nucleotide variant.
Coding change: c.4933G>A on transcript NM_018136.5 (MANE Select); coding-DNA position 4933, G replaced by A.
Protein change: p.Gly1645Arg; replaces glycine 1645 with arginine.
Molecular consequence: missense variant. On other transcripts: intron variant (1).
Genome position (GRCh38, 1-based): chr1:197,104,318, C>T on the plus strand (G>A on the coding strand, the complement: ASPM is on the minus strand). VCF-style: chr1-197104318-C-T. GRCh37 (hg19) VCF-style: chr1-197073448-C-T.
Other names: c.4066-8154G>A (NM_001206846.2); short protein forms G1645R.
Identifiers: ClinVar variation 1328712 (VCV001328712.12), dbSNP rs201927596, ClinGen allele CA1309842.